The following is an entry in ClinVar:

NM_006231.4(POLE):c.5279T>C (p.Val1760Ala)

Gene: POLE (DNA polymerase epsilon, catalytic subunit; minus strand). Cytogenetic location: 12q24.33.
Variant type: single nucleotide variant.
Coding change: c.5279T>C on transcript NM_006231.4 (MANE Select); coding-DNA position 5279, T replaced by C.
Protein change: p.Val1760Ala; replaces valine 1760 with alanine.
Molecular consequence: missense variant.
Genome position (GRCh38, 1-based): chr12:132,641,746, A>G on the plus strand (T>C on the coding strand, the complement: POLE is on the minus strand). VCF-style: chr12-132641746-A-G. GRCh37 (hg19) VCF-style: chr12-133218332-A-G.
Other names: short protein forms V1760A.
Identifiers: ClinVar variation 863068 (VCV000863068.10), dbSNP rs1198604103, ClinGen allele CA387376178.

ClinVar aggregate classification (germline): Uncertain significance. Review status: criteria provided, multiple submitters, no conflicts (2 of 4 stars). 2 submissions from 2 submitters: Uncertain significance (2). Last evaluated 2025-10-23.

Conditions:
Polymerase proofreading-related adenomatous polyposis. Also called: Polymerase proofreading associated polyposis; Polymerase proofreading–associated polyposis (PPAP). Identifiers: Orphanet 447877, MedGen C5202613, MONDO:0018653.
Familial colorectal cancer type X. Identifiers: Orphanet 440437, MedGen C3896578, MONDO:0018604.

Allele frequency attached by ClinVar (database versions not stated): gnomAD exomes below 0.00001.
gnomAD v4.1: 2 of 1,612,244 alleles (0.00012%); highest among the groups gnomAD compares: South Asian, 0.0022%; no homozygotes.

Submissions (2):

Labcorp Genetics (formerly Invitae), Labcorp
Classification: Uncertain significance. Last evaluated: 2025-10-23. Review status: criteria provided, single submitter. Criteria: Invitae Variant Classification Sherloc (09022015). Collection method: clinical testing. Allele origin: germline.
Comment: This sequence change replaces valine, which is neutral and non-polar, with alanine, which is neutral and non-polar, at codon 1760 of the POLE protein (p.Val1760Ala). This variant is present in population databases (no rsID available, gnomAD 0.003%). This variant has not been reported in the literature in individuals affected with POLE-related conditions. ClinVar contains an entry for this variant (Variation ID: 863068). Invitae Evidence Modeling of protein sequence and biophysical properties (such as structural, functional, and spatial information, amino acid conservation, physicochemical variation, residue mobility, and thermodynamic stability) indicates that this missense variant is not expected to disrupt POLE protein function with a negative predictive value of 80%. In summary, the available evidence is currently insufficient to determine the role of this variant in disease. Therefore, it has been classified as a Variant of Uncertain Significance.

Department of Pathology and Laboratory Medicine, Sinai Health System
Classification: Uncertain significance for Polymerase proofreading-related adenomatous polyposis; Familial colorectal cancer type X. Last evaluated: 2023-07-14. Review status: criteria provided, single submitter. Criteria: ACMG Guidelines, 2015. Collection method: clinical testing. Allele origin: germline. Affected: yes.